The following is an entry in ClinVar:

ClinVar aggregate classification (germline): Pathogenic. Review status: criteria provided, single submitter (1 of 4 stars). 2 submissions from 2 submitters: Pathogenic (1). 1 of the submissions does not count toward it. Last evaluated 2026-01-24.

Conditions:
ALG9 congenital disorder of glycosylation (CDG1L). Also called: CONGENITAL DISORDER OF GLYCOSYLATION, TYPE Il; ALG9-CDG; CDG Il. Identifiers: Orphanet 79328, MedGen C2931006, MONDO:0012117, OMIM 608776.
Cutis laxa with osteodystrophy (ARCL2A). Also called: Debré-Type Cutis Laxa; CUTIS LAXA WITH CONGENITAL DISORDER OF GLYCOSYLATION; Autosomal recessive cutis laxa type 2A; CUTIS LAXA, AUTOSOMAL RECESSIVE, TYPE IIA; CUTIS LAXA WITH BONE DYSTROPHY; CUTIS LAXA WITH GROWTH AND DEVELOPMENTAL DELAY. Identifiers: Orphanet 357058, MedGen C0268355, MONDO:0018163, OMIM 219200. Disease mechanism: loss of function.

Submissions (2):

Labcorp Genetics (formerly Invitae), Labcorp
Classification: Pathogenic for ALG9 congenital disorder of glycosylation. Last evaluated: 2026-01-24. Review status: criteria provided, single submitter. Criteria: Invitae Variant Classification Sherloc (09022015). Collection method: clinical testing. Allele origin: germline.
Comment: This sequence change creates a premature translational stop signal (p.Tyr753Glyfs*16) in the ATP6V0A2 gene. It is expected to result in an absent or disrupted protein product. Loss-of-function variants in ATP6V0A2 are known to be pathogenic (PMID: 18157129, 19321599). The frequency data for this variant in the population databases is considered unreliable, as metrics indicate poor data quality at this position in the gnomAD database. This variant has not been reported in the literature in individuals affected with ATP6V0A2-related conditions. ClinVar contains an entry for this variant (Variation ID: 2687870). For these reasons, this variant has been classified as Pathogenic.

Hainan Provincial Key Laboratory for Human Reproductive Medicine and Genetic Research
Classification: Pathogenic for Cutis laxa with osteodystrophy. Review status: no assertion criteria provided. Collection method: clinical testing. Allele origin: biparental. Affected: yes. Not counted in ClinVar's aggregate classification.

Literature cited by the submitters: PubMed 18157129 (cited by Labcorp Genetics (formerly Invitae), Labcorp); PubMed 19321599 (cited by Labcorp Genetics (formerly Invitae), Labcorp).

NM_012463.4(ATP6V0A2):c.2231_2255dup (p.Tyr753fs)

Gene: ATP6V0A2 (ATPase H+ transporting V0 subunit a2; plus strand). Cytogenetic location: 12q24.31.
Variant type: Duplication.
Coding change: c.2231_2255dup on transcript NM_012463.4 (MANE Select); coding-DNA positions 2231 to 2255, 25 bases duplicated (TGGGATGCATCTCCAACACCGCCTC).
Protein change: p.Tyr753fs; shifts the reading frame from tyrosine 753.
Molecular consequence: frameshift variant.
Genome position (GRCh38, 1-based): chr12:123,754,475-123,754,499, TGGGATGCATCTCCAACACCGCCTC duplicated; duplicating any 25 consecutive bases within chr12:123,754,473-123,754,499 gives the same sequence; the c. name uses the placement nearest the transcript's 3' end. VCF-style (leftmost placement, unchanged base first): chr12-123754472-G-GTCTGGGATGCATCTCCAACACCGCC. GRCh37 (hg19) VCF-style: chr12-124239019-G-GTCTGGGATGCATCTCCAACACCGCC.
Other names: short protein forms Y753fs.
Identifiers: ClinVar variation 2687870 (VCV002687870.3), dbSNP rs1220385043, ClinGen allele CA608091770.
Genomic context (GRCh38, chr12:123,754,472, plus strand): 5'-TCTCTCAGTTTAATTTTGGAGAAATATTAATGACCCAAGTAATCCATTCCATCGAGTACT[G>GTCTGGGATGCATCTCCAACACCGCC]TCTGGGATGCATCTCCAACACCGCCTCCTACCTGAGGCTCTGGGCGCTTAGCCTGGCTCA-3'